The following is an entry in ClinVar:

NM_024753.5(TTC21B):c.3011A>T (p.Asp1004Val)

Gene: TTC21B (tetratricopeptide repeat domain 21B; minus strand). Cytogenetic location: 2q24.3.
Variant type: single nucleotide variant.
Coding change: c.3011A>T on transcript NM_024753.5 (MANE Select); coding-DNA position 3011, A replaced by T.
Protein change: p.Asp1004Val; replaces aspartic acid 1004 with valine.
Molecular consequence: missense variant.
Genome position (GRCh38, 1-based): chr2:165,890,928, T>A on the plus strand (A>T on the coding strand, the complement: TTC21B is on the minus strand). VCF-style: chr2-165890928-T-A. GRCh37 (hg19) VCF-style: chr2-166747438-T-A.
Other names: short protein forms D1004V.
Identifiers: ClinVar variation 2107774 (VCV002107774.1), dbSNP rs2468123232, ClinGen allele CA349048399.
Genomic context (GRCh38, chr2:165,890,928, plus strand): 5'-CCTGGTTCCAATTTTGCTCTGGAGTTACGTTTCTCAGCCATTGAGAAAAATCTTGGGACA[T>A]CCTCGAGTTTTCCACATCTTCTTAGGAGATCAATCAAACGAGATAATGTCATATAATTAT-3'
Protein context (NP_079029.3, residues 994-1014): DLLRRCGKLE[Asp1004Val]VPRFFSMAEK

ClinVar aggregate classification (germline): Uncertain significance (1 of 4 stars; one submission).

Conditions:
Jeune thoracic dystrophy. Also called: Jeune syndrome; Infantile thoracic dystrophy; Thoracic pelvic phalangeal dystrophy; Jeune's syndrome; Chondroectodermal dysplasia-like syndrome; Short-rib thoracic dysplasia. Identifiers: Orphanet 474, MedGen C0265275, MONDO:0018770.
Nephronophthisis. Also called: Juvenile Nephronophthisis. Identifiers: Orphanet 655, MedGen C0687120, MONDO:0019005, HP:0000090.

Submission:

Labcorp Genetics (formerly Invitae), Labcorp
Classification: Uncertain significance for Jeune thoracic dystrophy; Nephronophthisis. Last evaluated: 2022-10-13. Review status: criteria provided, single submitter. Criteria: Invitae Variant Classification Sherloc (09022015). Collection method: clinical testing. Allele origin: germline.
Comment: This sequence change replaces aspartic acid, which is acidic and polar, with valine, which is neutral and non-polar, at codon 1004 of the TTC21B protein (p.Asp1004Val). This variant is not present in population databases (gnomAD no frequency). This variant has not been reported in the literature in individuals affected with TTC21B-related conditions. Advanced modeling of protein sequence and biophysical properties (such as structural, functional, and spatial information, amino acid conservation, physicochemical variation, residue mobility, and thermodynamic stability) performed at Invitae indicates that this missense variant is not expected to disrupt TTC21B protein function. In summary, the available evidence is currently insufficient to determine the role of this variant in disease. Therefore, it has been classified as a Variant of Uncertain Significance.